The following is an entry in ClinVar:

NM_000785.4(CYP27B1):c.942G>A (p.Leu314=)

Gene: CYP27B1 (cytochrome P450 family 27 subfamily B member 1; minus strand). Cytogenetic location: 12q14.1.
Variant type: single nucleotide variant.
Coding change: c.942G>A on transcript NM_000785.4 (MANE Select); coding-DNA position 942, G replaced by A.
Protein change: p.Leu314=; no amino-acid change (leucine 314 retained).
Molecular consequence: synonymous variant.
Genome position (GRCh38, 1-based): chr12:57,764,775, C>T on the plus strand (G>A on the coding strand, the complement: CYP27B1 is on the minus strand). VCF-style: chr12-57764775-C-T. GRCh37 (hg19) VCF-style: chr12-58158558-C-T.
Other names: p.Leu314=.
Identifiers: ClinVar variation 880899 (VCV000880899.15), dbSNP rs8176345, ClinGen allele CA6658295.

ClinVar aggregate classification (germline): Benign/Likely benign. Review status: criteria provided, multiple submitters, no conflicts (2 of 4 stars). 5 submissions from 5 submitters: Benign (3); Likely benign (2). Last evaluated 2026-02-04.

Conditions:
Vitamin D-dependent rickets, type 1 (VDD1). Also called: VITAMIN D DEPENDENCY, TYPE 1. Identifiers: Orphanet 289157, MedGen C0268689, MONDO:0009924.

Allele frequency attached by ClinVar (database versions not stated): 1000 Genomes Project 30x 0.01156; 1000 Genomes Project 0.01298; gnomAD 0.02091 and 0.02124; TOPMed 0.02251; gnomAD exomes 0.02306 and 0.02851; ExAC 0.02319; ESP Exome Variant Server 0.02537.
gnomAD v4.1: 44,829 of 1,614,152 alleles (2.8%); highest among the groups gnomAD compares: Middle Eastern, 3.3%; 720 homozygotes.

Submissions (5):

Labcorp Genetics (formerly Invitae), Labcorp
Classification: Benign. Last evaluated: 2026-02-04. Review status: criteria provided, single submitter. Criteria: Invitae Variant Classification Sherloc (09022015). Collection method: clinical testing. Allele origin: germline.

Mayo Clinic Laboratories, Mayo Clinic
Classification: Benign. Last evaluated: 2022-03-09. Review status: criteria provided, single submitter. Criteria: ACMG Guidelines, 2015. Collection method: clinical testing. Allele origin: germline. Observed: 15 variant alleles.

GeneDx
Classification: Benign. Last evaluated: 2020-12-28. Review status: criteria provided, single submitter. Criteria: GeneDx Variant Classification Process June 2021. Collection method: clinical testing. Allele origin: germline. Affected: yes.

Illumina Laboratory Services, Illumina
Classification: Likely benign for Vitamin D-dependent rickets, type 1A. Last evaluated: 2018-01-13. Review status: criteria provided, single submitter. Criteria: ICSL Variant Classification Criteria 13 December 2019. Collection method: clinical testing. Allele origin: germline.
Comment: This variant was observed in the ICSL laboratory as part of a predisposition screen in an ostensibly healthy population. It had not been previously curated by ICSL or reported in the Human Gene Mutation Database (HGMD: prior to June 1st, 2018), and was therefore a candidate for classification through an automated scoring system. Utilizing variant allele frequency, disease prevalence and penetrance estimates, and inheritance mode, an automated score was calculated to assess if this variant is too frequent to cause the disease. Based on the score and internal cut-off values, a variant classified as likely benign is not then subjected to further curation. The score for this variant resulted in a classification of likely benign for this disease.

Breakthrough Genomics
Classification: Likely benign. Review status: criteria provided, single submitter. Criteria: ACMG Guidelines, 2015. Collection method: not provided. Allele origin: germline. Inheritance: Autosomal recessive inheritance. Affected: yes.